The following is an entry in ClinVar:

ClinVar aggregate classification (germline): Likely benign (0 of 4 stars; one submission).

Conditions:
SON-related disorder. Also called: SON-related condition.

Allele frequency attached by ClinVar (database versions not stated): ExAC 0.00001; gnomAD 0.00001; ESP Exome Variant Server 0.00008.

Submission:

PreventionGenetics, part of Exact Sciences
Classification: Likely benign for SON-related condition. Last evaluated: 2020-10-12. Review status: no assertion criteria provided. Collection method: clinical testing. Allele origin: germline.
Comment: This variant is classified as likely benign based on ACMG/AMP sequence variant interpretation guidelines (Richards et al. 2015 PMID: 25741868, with internal and published modifications).

NM_138927.4(SON):c.245-7C>T

Gene: SON (SON DNA and RNA binding protein; plus strand). Cytogenetic location: 21q22.11.
Variant type: single nucleotide variant.
Coding change: c.245-7C>T on transcript NM_138927.4 (MANE Select); 7 bases into the intron before coding-DNA position 245, C replaced by T.
Molecular consequence: intron variant.
Genome position (GRCh38, 1-based): chr21:33,549,469, C>T. VCF-style: chr21-33549469-C-T. GRCh37 (hg19) VCF-style: chr21-34921775-C-T.
Other names: c.244+3090C>T (NM_001291412.3); c.245-7C>T (NM_032195.3, NM_001291411.2).
Identifiers: ClinVar variation 3054931 (VCV003054931.2), dbSNP rs374063317, ClinGen allele CA10008638.
Genomic context (GRCh38, chr21:33,549,469, plus strand): 5'-GTTTATATGATTTAATCTAACTCTACTTTGGGGAATGTCTGACAAAATTAATTTCTATTA[C>T]TTTTAGACTTGAAAGAGGGCTCCAGAAAAAGTAGATGCGTATCTGTACAAACAGATCCTA-3'